The following is an entry in ClinVar:

NM_001286.5(CLCN6):c.1528T>G (p.Tyr510Asp)

Gene: CLCN6 (chloride voltage-gated channel 6; plus strand). Cytogenetic location: 1p36.22.
Variant type: single nucleotide variant.
Coding change: c.1528T>G on transcript NM_001286.5 (MANE Select); coding-DNA position 1528, T replaced by G.
Protein change: p.Tyr510Asp; replaces tyrosine 510 with aspartic acid.
Molecular consequence: missense variant. On other transcripts: non-coding transcript variant (1).
Genome position (GRCh38, 1-based): chr1:11,834,237, T>G. VCF-style: chr1-11834237-T-G. GRCh37 (hg19) VCF-style: chr1-11894294-T-G.
Other names: c.1462T>G, p.Tyr488Asp (NM_001256959.2); short protein forms Y510D, Y488D.
Identifiers: ClinVar variation 2704726 (VCV002704726.3), dbSNP rs2523155929, ClinGen allele CA338435682.
Genomic context (GRCh38, chr1:11,834,237, plus strand): 5'-CCTCCCCACAGCCTATCAGTGTGGTTCAAAGCCATGTTCTCGGTGTTTTCCTTCACTAGC[T>G]ACATTGGATTGGGCCACATCTATTCGGGGACCTTTGCCCTGATTGGTGCAGCGGCTTTCT-3'
Protein context (NP_001277.2, residues 500-520): GRLVANVLKS[Tyr510Asp]IGLGHIYSGT

ClinVar aggregate classification (germline): Uncertain significance (1 of 4 stars; one submission).

Submission:

Labcorp Genetics (formerly Invitae), Labcorp
Classification: Uncertain significance. Last evaluated: 2023-12-21. Review status: criteria provided, single submitter. Criteria: Invitae Variant Classification Sherloc (09022015). Collection method: clinical testing. Allele origin: germline.
Comment: This sequence change replaces tyrosine, which is neutral and polar, with aspartic acid, which is acidic and polar, at codon 510 of the CLCN6 protein (p.Tyr510Asp). This variant is not present in population databases (gnomAD no frequency). This variant has not been reported in the literature in individuals affected with CLCN6-related conditions. An algorithm developed to predict the effect of missense changes on protein structure and function (PolyPhen-2) suggests that this variant is likely to be tolerated. In summary, the available evidence is currently insufficient to determine the role of this variant in disease. Therefore, it has been classified as a Variant of Uncertain Significance.